The following is an entry in ClinVar:

ClinVar aggregate classification (germline): Uncertain significance (1 of 4 stars; one submission).

Submission:

GeneDx
Classification: Uncertain significance. Last evaluated: 2026-03-24. Review status: criteria provided, single submitter. Criteria: GeneDx Variant Classification Process June 2021. Collection method: clinical testing. Allele origin: germline.
Comment: Not observed at significant frequency in large population cohorts (gnomAD); In silico analysis supports that this missense variant has a deleterious effect on protein structure/function; Has not been previously published as pathogenic or benign to our knowledge

NM_001845.6(COL4A1):c.4755G>A (p.Met1585Ile)

Gene: COL4A1 (collagen type IV alpha 1 chain; minus strand). Cytogenetic location: 13q34.
Variant type: single nucleotide variant.
Coding change: c.4755G>A on transcript NM_001845.6 (MANE Select); coding-DNA position 4755, G replaced by A.
Protein change: p.Met1585Ile; replaces methionine 1585 with isoleucine.
Molecular consequence: missense variant.
Genome position (GRCh38, 1-based): chr13:110,155,283, C>T on the plus strand (G>A on the coding strand, the complement: COL4A1 is on the minus strand). VCF-style: chr13-110155283-C-T. GRCh37 (hg19) VCF-style: chr13-110807630-C-T.
Other names: short protein forms M1585I.
Identifiers: ClinVar variation 5016747 (VCV005016747.1).